The following is an entry in ClinVar:

ClinVar aggregate classification (germline): Uncertain significance (1 of 4 stars; one submission).

Submission:

Labcorp Genetics (formerly Invitae), Labcorp
Classification: Uncertain significance. Last evaluated: 2021-08-23. Review status: criteria provided, single submitter. Criteria: Invitae Variant Classification Sherloc (09022015). Collection method: clinical testing. Allele origin: germline.
Comment: In summary, the available evidence is currently insufficient to determine the role of this variant in disease. Therefore, it has been classified as a Variant of Uncertain Significance. Experimental studies and prediction algorithms are not available or were not evaluated, and the functional significance of this variant is currently unknown. This variant has not been reported in the literature in individuals affected with RIMS1-related conditions. This variant is not present in population databases (ExAC no frequency). This variant, c.2766_2768dup, results in the insertion of 1 amino acid(s) to the RIMS1 protein (p.Pro923dup), but otherwise preserves the integrity of the reading frame.

NM_014989.7(RIMS1):c.2763TCC[3] (p.Pro923dup)

Gene: RIMS1 (regulating synaptic membrane exocytosis 1; plus strand). Cytogenetic location: 6q13.
Variant type: Microsatellite.
Coding change: c.2763TCC[3] on transcript NM_014989.7 (MANE Select); three copies in a row of the 3-base unit TCC starting at c.2763; the reference has two copies in a row; one copy, 3 bases duplicated.
Protein change: p.Pro923dup; duplicates proline 923.
Molecular consequence: inframe insertion.
Genome position (GRCh38, 1-based): chr6:72,252,828-72,252,830, TCC duplicated; duplicating any 3 consecutive bases within chr6:72,252,825-72,252,830 gives the same sequence; the position shown is the placement nearest the transcript's 3' end. VCF-style (leftmost placement, unchanged base first): chr6-72252824-T-TTCC. GRCh37 (hg19) VCF-style: chr6-72962527-T-TTCC.
Other names: c.1185TCC[3], p.Pro397dup (NM_001168407.2, NM_001168408.2, NM_001350414.2 and 37 more transcripts); c.942TCC[3], p.Pro316dup (NM_001168409.2, NM_001350461.2, NM_001350463.2 and 6 more transcripts); c.1140TCC[3], p.Pro382dup (NM_001168410.2, NM_001350470.2, NM_001350472.2 and 2 more transcripts); c.1116TCC[3], p.Pro374dup (NM_001350421.2, NM_001350424.2, NM_001350428.2 and 6 more transcripts).
Identifiers: ClinVar variation 1377232 (VCV001377232.6), dbSNP rs2154139833, ClinGen allele CA2580617291.